The following is an entry in ClinVar:

ClinVar aggregate classification (germline): Uncertain significance (1 of 4 stars; one submission).

Allele frequency attached by ClinVar (database versions not stated): gnomAD exomes below 0.00001; ExAC 0.00001.

Submission:

Labcorp Genetics (formerly Invitae), Labcorp
Classification: Uncertain significance. Last evaluated: 2024-04-01. Review status: criteria provided, single submitter. Criteria: Invitae Variant Classification Sherloc (09022015). Collection method: clinical testing. Allele origin: germline.
Comment: This sequence change replaces proline, which is neutral and non-polar, with serine, which is neutral and polar, at codon 88 of the KLF10 protein (p.Pro88Ser). This variant is present in population databases (rs778715153, gnomAD 0.003%). This variant has not been reported in the literature in individuals affected with KLF10-related conditions. ClinVar contains an entry for this variant (Variation ID: 1507254). An algorithm developed to predict the effect of missense changes on protein structure and function (PolyPhen-2) suggests that this variant is likely to be tolerated. In summary, the available evidence is currently insufficient to determine the role of this variant in disease. Therefore, it has been classified as a Variant of Uncertain Significance.

NM_005655.4(KLF10):c.262C>T (p.Pro88Ser)

Gene: KLF10 (KLF transcription factor 10; minus strand). Cytogenetic location: 8q22.3.
Variant type: single nucleotide variant.
Coding change: c.262C>T on transcript NM_005655.4 (MANE Select); coding-DNA position 262, C replaced by T.
Protein change: p.Pro88Ser; replaces proline 88 with serine.
Molecular consequence: missense variant. On other transcripts: non-coding transcript variant (2).
Genome position (GRCh38, 1-based): chr8:102,652,172, G>A on the plus strand (C>T on the coding strand, the complement: KLF10 is on the minus strand). VCF-style: chr8-102652172-G-A. GRCh37 (hg19) VCF-style: chr8-103664400-G-A.
Other names: c.229C>T, p.Pro77Ser (NM_001032282.4); short protein forms P77S, P88S.
Identifiers: ClinVar variation 1507254 (VCV001507254.6), dbSNP rs778715153, ClinGen allele CA4833669.
Genomic context (GRCh38, chr8:102,652,172, plus strand): 5'-AATTTTAAGAAATTATATAATTTACGTCTATCTTAAAAACAATAATACTTACAAATGCTG[G>A]GATTGTATGAAAATCAGGTGTTCCCGGAAGCAGATTCTCTTCCTCTGACAAATCAGATAC-3'
Protein context (NP_005646.1, residues 78-98): LPGTPDFHTI[Pro88Ser]AFCLTPPYSP